The following is an entry in ClinVar:

NM_003072.5(SMARCA4):c.4022A>G (p.Asp1341Gly)

Gene: SMARCA4 (SWI/SNF related BAF chromatin remodeling complex subunit ATPase 4; plus strand). Cytogenetic location: 19p13.2.
Variant type: single nucleotide variant.
Coding change: c.4022A>G on transcript NM_003072.5 (MANE Select); coding-DNA position 4022, A replaced by G.
Protein change: p.Asp1341Gly; replaces aspartic acid 1341 with glycine.
Molecular consequence: missense variant. On other transcripts: non-coding transcript variant (1).
Genome position (GRCh38, 1-based): chr19:11,034,984, A>G. VCF-style: chr19-11034984-A-G. GRCh37 (hg19) VCF-style: chr19-11145660-A-G.
Other names: c.4022A>G, p.Asp1341Gly (NM_001128844.3, NM_001128849.3); c.3923A>G, p.Asp1308Gly (NM_001128845.2, NM_001128846.2, NM_001128847.4 and 2 more transcripts); short protein forms D1341G, D1308G.
Identifiers: ClinVar variation 824516 (VCV000824516.10), dbSNP rs1600406074, ClinGen allele CA404068138.

ClinVar aggregate classification (germline): Uncertain significance. Review status: criteria provided, multiple submitters, no conflicts (2 of 4 stars). 2 submissions from 2 submitters: Uncertain significance (2). Last evaluated 2024-11-20.

Conditions:
Hereditary cancer-predisposing syndrome. Also called: Neoplastic Syndromes, Hereditary; Tumor predisposition; Hereditary neoplastic syndrome; Hereditary Cancer Syndrome. Identifiers: Orphanet 140162, MedGen C0027672, MeSH D009386, MONDO:0015356.
Rhabdoid tumor predisposition syndrome 2 (RTPS2). Identifiers: Orphanet 231108, Orphanet 69077, MedGen C2750074, MONDO:0013224, OMIM 613325.

Submissions (2):

Labcorp Genetics (formerly Invitae), Labcorp
Classification: Uncertain significance for Rhabdoid tumor predisposition syndrome 2. Last evaluated: 2024-11-20. Review status: criteria provided, single submitter. Criteria: Invitae Variant Classification Sherloc (09022015). Collection method: clinical testing. Allele origin: germline.
Comment: This sequence change replaces aspartic acid, which is acidic and polar, with glycine, which is neutral and non-polar, at codon 1341 of the SMARCA4 protein (p.Asp1341Gly). This variant is not present in population databases (gnomAD no frequency). This variant has not been reported in the literature in individuals affected with SMARCA4-related conditions. ClinVar contains an entry for this variant (Variation ID: 824516). Invitae Evidence Modeling of protein sequence and biophysical properties (such as structural, functional, and spatial information, amino acid conservation, physicochemical variation, residue mobility, and thermodynamic stability) has been performed for this missense variant. However, the output from this modeling did not meet the statistical confidence thresholds required to predict the impact of this variant on SMARCA4 protein function. In summary, the available evidence is currently insufficient to determine the role of this variant in disease. Therefore, it has been classified as a Variant of Uncertain Significance.

Ambry Genetics
Classification: Uncertain significance for Hereditary cancer-predisposing syndrome. Last evaluated: 2019-09-27. Review status: criteria provided, single submitter. Criteria: Ambry Variant Classification Scheme 2023. Collection method: clinical testing. Allele origin: germline.
Comment: The p.D1341G variant (also known as c.4022A>G), located in coding exon 28 of the SMARCA4 gene, results from an A to G substitution at nucleotide position 4022. The aspartic acid at codon 1341 is replaced by glycine, an amino acid with similar properties. This amino acid position is highly conserved in available vertebrate species. In addition, this alteration is predicted to be deleterious by in silico analysis. Since supporting evidence is limited at this time, the clinical significance of this alteration remains unclear.